The following is an entry in ClinVar:

ClinVar aggregate classification (germline): Likely pathogenic (1 of 4 stars; one submission).

Submission:

GeneDx
Classification: Likely pathogenic. Last evaluated: 2024-06-17. Review status: criteria provided, single submitter. Criteria: GeneDx Variant Classification Process June 2021. Collection method: clinical testing. Allele origin: germline. Affected: yes.
Comment: Canonical splice site variant predicted to result in an in-frame loss of the adjacent exon in a gene for which loss of function is a known mechanism of disease; Not observed at significant frequency in large population cohorts (gnomAD); Has not been previously published as pathogenic or benign to our knowledge

NM_001080517.3(SETD5):c.810+1G>A

Gene: SETD5 (SET domain containing 5; plus strand). Cytogenetic location: 3p25.3.
Variant type: single nucleotide variant.
Coding change: c.810+1G>A on transcript NM_001080517.3 (MANE Select); the canonical splice donor site of the intron after coding-DNA position 810, G replaced by A.
Molecular consequence: splice donor variant.
Genome position (GRCh38, 1-based): chr3:9,440,699, G>A. VCF-style: chr3-9440699-G-A. GRCh37 (hg19) VCF-style: chr3-9482383-G-A.
Other names: c.516+1G>A (NM_001349451.2, NM_001292043.2).
Identifiers: ClinVar variation 3391479 (VCV003391479.1).